The following is an entry in ClinVar:

ClinVar aggregate classification (germline): Uncertain significance (1 of 4 stars; one submission).

Conditions:
Macrocephaly, dysmorphic facies, and psychomotor retardation (MDFPMR). Identifiers: Orphanet 457359, MedGen C4310766, MONDO:0014863, OMIM 617011.

Submission:

3billion
Classification: Uncertain significance for Macrocephaly, dysmorphic facies, and psychomotor retardation. Last evaluated: 2024-08-08. Review status: criteria provided, single submitter. Criteria: ACMG Guidelines, 2015. Collection method: clinical testing. Allele origin: germline. Affected: yes.
Comment: The variant is not observed in the gnomAD v4.0.0 dataset. Predicted Consequence/Location: Intron variant In silico tools predict the variant to alter splicing and produce an abnormal transcript [SpliceAI: 0.21 (>=0.2, moderate evidence for spliceogenicity)]. Therefore, this variant is classified as VUS according to the recommendation of ACMG/AMP guideline.

NM_003922.4(HERC1):c.13941+3A>T

Gene: HERC1 (HECT and RLD domain containing E3 ubiquitin protein ligase family member 1; minus strand). Cytogenetic location: 15q22.31.
Variant type: single nucleotide variant.
Coding change: c.13941+3A>T on transcript NM_003922.4 (MANE Select); 3 bases into the intron after coding-DNA position 13941, A replaced by T.
Molecular consequence: intron variant.
Genome position (GRCh38, 1-based): chr15:63,616,427, T>A on the plus strand (A>T on the coding strand, the complement: HERC1 is on the minus strand). VCF-style: chr15-63616427-T-A. GRCh37 (hg19) VCF-style: chr15-63908626-T-A.
Identifiers: ClinVar variation 4292616 (VCV004292616.1).